The following is an entry in ClinVar:

ClinVar aggregate classification (germline): Conflicting classifications of pathogenicity. Review status: criteria provided, conflicting classifications (1 of 4 stars). 4 submissions from 4 submitters: Uncertain significance (3); Benign (1). Last evaluated 2025-05-05.

Conditions:
Neuroblastoma, susceptibility to, 2. Identifiers: Orphanet 635, MedGen C2751682, MONDO:0700041, OMIM 613013.
Central hypoventilation syndrome, congenital, 1, with or without Hirschsprung disease (CCHS1). Also called: CENTRAL HYPOVENTILATION SYNDROME, CONGENITAL, 1; AUTONOMIC CONTROL, CONGENITAL FAILURE OF; ONDINE CURSE, CONGENITAL; Central hypoventilation syndrome, congenital, 1, with or without Hirschsprung; Congenital Central Hypoventilation Syndrome (CCHS). Identifiers: Orphanet 661, MedGen C5562075, MONDO:0800026, OMIM 209880.
Hereditary cancer-predisposing syndrome. Also called: Hereditary Cancer Syndrome; Hereditary neoplastic syndrome; Neoplastic Syndromes, Hereditary; Tumor predisposition. Identifiers: Orphanet 140162, MedGen C0027672, MeSH D009386, MONDO:0015356.
Haddad syndrome (OHD). Also called: Ondine-Hirschsprung disease. Identifiers: Orphanet 99803, MedGen C1859049, MONDO:0020493.

Allele frequency attached by ClinVar (database versions not stated): gnomAD exomes 0.00001; TOPMed 0.00001.

Submissions (4):

Labcorp Genetics (formerly Invitae), Labcorp
Classification: Uncertain significance for Haddad syndrome. Last evaluated: 2025-05-05. Review status: criteria provided, single submitter. Criteria: Invitae Variant Classification Sherloc (09022015). Collection method: clinical testing. Allele origin: germline.
Comment: This sequence change falls in intron 1 of the PHOX2B gene. It does not directly change the encoded amino acid sequence of the PHOX2B protein. This variant is not present in population databases (gnomAD no frequency). This variant has not been reported in the literature in individuals affected with PHOX2B-related conditions. ClinVar contains an entry for this variant (Variation ID: 406405). In summary, the available evidence is currently insufficient to determine the role of this variant in disease. Therefore, it has been classified as a Variant of Uncertain Significance.

Ambry Genetics
Classification: Benign for Hereditary cancer-predisposing syndrome. Last evaluated: 2025-02-11. Review status: criteria provided, single submitter. Criteria: Ambry Variant Classification Scheme 2023. Collection method: clinical testing. Allele origin: germline.

Baylor Genetics
Classification: Uncertain significance for Neuroblastoma, susceptibility to, 2. Last evaluated: 2023-11-03. Review status: criteria provided, single submitter. Criteria: ACMG Guidelines, 2015. Collection method: clinical testing. Allele origin: unknown.

Fulgent Genetics
Classification: Uncertain significance for Central hypoventilation syndrome, congenital, 1, with or without Hirschsprung disease; Neuroblastoma, susceptibility to, 2. Last evaluated: 2022-01-03. Review status: criteria provided, single submitter. Criteria: ACMG Guidelines, 2015. Collection method: clinical testing. Allele origin: unknown.

NM_003924.4(PHOX2B):c.242-5_242-2dup

Gene: PHOX2B (paired like homeobox 2B; minus strand). Cytogenetic location: 4p13.
Variant type: Duplication.
Coding change: c.242-5_242-2dup on transcript NM_003924.4 (MANE Select); 5 bases into the intron before coding-DNA position 242 through the canonical splice acceptor site of the intron before coding-DNA position 242, 4 bases duplicated (TCTA; older notation c.242-5_242-2dupTCTA).
Molecular consequence: splice acceptor variant.
Genome position (GRCh38, 1-based): chr4:41,747,538-41,747,541, TAGA duplicated on the plus strand (TCTA on the coding strand, the reverse complement: PHOX2B is on the minus strand). VCF-style (leftmost placement, unchanged base first): chr4-41747537-C-CTAGA. GRCh37 (hg19) VCF-style: chr4-41749554-C-CTAGA.
Other names: c.242-5_242-2dupTCTA (NM_003924.3).
Identifiers: ClinVar variation 406405 (VCV000406405.15), dbSNP rs1553898065, ClinGen allele CA16611625.